The following is an entry in ClinVar:

NM_032444.4(SLX4):c.286del (p.Thr96fs)

Gene: SLX4 (SLX4 structure-specific endonuclease subunit; minus strand). Cytogenetic location: 16p13.3.
Variant type: Deletion.
Coding change: c.286del on transcript NM_032444.4 (MANE Select); coding-DNA position 286, one base deleted (A; older notation c.286delA).
Protein change: p.Thr96fs; shifts the reading frame from threonine 96.
Molecular consequence: frameshift variant.
Genome position (GRCh38, 1-based): chr16:3,608,679, T deleted on the plus strand (A on the coding strand, the reverse complement: SLX4 is on the minus strand); the first of 3 consecutive T bases (chr16:3,608,679-3,608,681); deleting any one gives the same sequence. VCF-style (leftmost placement, unchanged base first): chr16-3608678-GT-G. GRCh37 (hg19) VCF-style: chr16-3658679-GT-G.
Other names: short protein forms T96fs.
Identifiers: ClinVar variation 31021 (VCV000031021.6), dbSNP rs1596534281, ClinGen allele CA913185035.

ClinVar aggregate classification (germline): Pathogenic. Review status: no assertion criteria provided (0 of 4 stars). 2 submissions from 2 submitters: Pathogenic (2). Last evaluated 2011-02-10.

Conditions:
Fanconi anemia complementation group P. Also called: SLX4-Related Fanconi Anemia. Identifiers: Orphanet 84, MedGen C3469542, MONDO:0013499, OMIM 613951.

Submissions (2):

Leiden Open Variation Database
Classification: Pathogenic for Fanconi anemia complementation group P. Last evaluated: 2011-02-10. Review status: no assertion criteria provided. Collection method: curation. Allele origin: germline. Affected: yes.
Comment: Curator: Arleen D. Auerbach. Submitter to LOVD: Arleen D. Auerbach.

OMIM
Classification: Pathogenic for FANCONI ANEMIA, COMPLEMENTATION GROUP P. Last evaluated: 2011-02-01. Review status: no assertion criteria provided. Collection method: literature only. Allele origin: germline.

Literature cited by the submitters: PubMed 21240277 (cited by Leiden Open Variation Database and OMIM).